The following is an entry in ClinVar:

NM_020203.6(MEPE):c.617del (p.Ser206fs)

Genes: MEPE (matrix extracellular phosphoglycoprotein; plus strand), MEPE-AS1 (MEPE and IBSP antisense RNA 1; minus strand). Cytogenetic location: 4q22.1.
Variant type: Deletion.
Coding change: c.617del on transcript NM_020203.6 (MANE Select); coding-DNA position 617, one base deleted (G; older notation c.617delG).
Protein change: p.Ser206fs; shifts the reading frame from serine 206.
Molecular consequence: frameshift variant.
Genome position (GRCh38, 1-based): chr4:87,845,485, G deleted. VCF-style (leftmost placement, unchanged base first): chr4-87845484-AG-A. GRCh37 (hg19) VCF-style: chr4-88766636-AG-A.
Other names: c.617del, p.Ser206fs (NM_001184694.3); c.278del, p.Ser93fs (NM_001184695.4, NM_001184696.2, NM_001184697.2); c.710del, p.Ser237fs (NM_001291183.2); short protein forms S206fs, S237fs, S93fs.
Identifiers: ClinVar variation 4982660 (VCV004982660.1).
Genomic context (GRCh38, chr4:87,845,484, plus strand): 5'-TATGCTAAAGCACACTCGAAGGATAAAAAGAAGCCTCAAAGAGATTCCCAAGCCCAGAAA[AG>A]TCCAGTAAAAAGCAAAAGCACCCATCGTATTCAACACAACATTGACTACCTAAAACATCT-3'

ClinVar aggregate classification (germline): Uncertain significance (1 of 4 stars; one submission).

Conditions:
MEPE-related disorder. Also called: MEPE-related condition.

Submission:

PreventionGenetics, part of Exact Sciences
Classification: Uncertain significance for MEPE-related condition. Last evaluated: 2026-02-13. Review status: criteria provided, single submitter. Criteria: ACMG Guidelines, 2015. Collection method: clinical testing. Allele origin: germline.
Comment: The MEPE c.710delG variant is predicted to result in a frameshift and premature protein termination (p.Ser237Ilefs*3). This variant has been documented in six individuals with otosclerosis and also in one control (Schrauwen et al. 2019. PubMed ID: 30287925, variant referred to as Ser206Ilefs*3 in the NM_001184694 transcript). This variant is reported in 0.047% of alleles in individuals of European (Non-Finnish) descent in gnomAD. At this time, the clinical significance of this variant is uncertain due to the absence of conclusive functional and genetic evidence.